The following is an entry in ClinVar:

ClinVar aggregate classification (germline): Uncertain significance. Review status: criteria provided, multiple submitters, no conflicts (2 of 4 stars). 3 submissions from 3 submitters: Uncertain significance (3). Last evaluated 2022-05-04.

Conditions:
Charcot-Marie-Tooth disease type 2. Also called: Charcot-Marie-Tooth type 2. Identifiers: Orphanet 64746, MedGen C0270914, MONDO:0018993.
Neuronopathy, distal hereditary motor, type 5A (HMND5). Also called: Distal Spinal Muscular Atrophy V; DHMN VA; NEURONOPATHY, DISTAL HEREDITARY MOTOR, AUTOSOMAL DOMINANT 5; Distal Spinal Muscular Atrophy V (dSMA-V). Identifiers: Orphanet 139536, MedGen CN031873, MONDO:0015353, OMIM 600794.
Charcot-Marie-Tooth disease type 2D (CMT2D). Also called: GARS1 Adolescent- or Early Adult-Onset Hereditary Motor/Sensory Neuropathy (GARS1-HMSN); Charcot-Marie-Tooth Neuropathy Type 2D; CHARCOT-MARIE-TOOTH DISEASE, AXONAL, TYPE 2D; CHARCOT-MARIE-TOOTH DISEASE, NEURONAL, TYPE 2D. Identifiers: Orphanet 99938, MedGen C1832274, MONDO:0011091, OMIM 601472.

gnomAD v4.1: 2 of 1,614,222 alleles (0.00012%); no homozygotes.

Submissions (3):

Mendelics
Classification: Uncertain significance. Last evaluated: 2022-05-04. Review status: criteria provided, single submitter. Criteria: Mendelics Assertion Criteria 2019. Collection method: clinical testing. Allele origin: germline.

Labcorp Genetics (formerly Invitae), Labcorp
Classification: Uncertain significance for Charcot-Marie-Tooth disease type 2. Last evaluated: 2020-11-28. Review status: criteria provided, single submitter. Criteria: Invitae Variant Classification Sherloc (09022015). Collection method: clinical testing. Allele origin: germline.
Comment: In summary, the available evidence is currently insufficient to determine the role of this variant in disease. Therefore, it has been classified as a Variant of Uncertain Significance. Algorithms developed to predict the effect of missense changes on protein structure and function are either unavailable or do not agree on the potential impact of this missense change (SIFT: "Deleterious"; PolyPhen-2: "Benign"; Align-GVGD: "Class C25"). This variant has not been reported in the literature in individuals with GARS-related conditions. ClinVar contains an entry for this variant (Variation ID: 410310). This variant is not present in population databases (ExAC no frequency). This sequence change replaces valine with isoleucine at codon 396 of the GARS protein (p.Val396Ile). The valine residue is highly conserved and there is a small physicochemical difference between valine and isoleucine.

Fulgent Genetics
Classification: Uncertain significance for Neuronopathy, distal hereditary motor, type 5A; Charcot-Marie-Tooth disease type 2D. Last evaluated: 2018-10-31. Review status: criteria provided, single submitter. Criteria: ACMG Guidelines, 2015. Collection method: clinical testing. Allele origin: unknown.

NM_002047.4(GARS1):c.1186G>A (p.Val396Ile)

Gene: GARS1 (glycyl-tRNA synthetase 1; plus strand). Cytogenetic location: 7p14.3.
Variant type: single nucleotide variant.
Coding change: c.1186G>A on transcript NM_002047.4 (MANE Select); coding-DNA position 1186, G replaced by A.
Protein change: p.Val396Ile; replaces valine 396 with isoleucine.
Molecular consequence: missense variant.
Genome position (GRCh38, 1-based): chr7:30,616,050, G>A. VCF-style: chr7-30616050-G-A. GRCh37 (hg19) VCF-style: chr7-30655666-G-A.
Other names: c.1024G>A, p.Val342Ile (NM_001316772.1); c.1186G>A (LRG_243t1); short protein forms V396I, V342I.
Identifiers: ClinVar variation 410310 (VCV000410310.11), dbSNP rs1060502836, ClinGen allele CA16612089.